The following is an entry in ClinVar:

ClinVar aggregate classification (germline): Uncertain significance. Review status: criteria provided, multiple submitters, no conflicts (2 of 4 stars). 3 submissions from 3 submitters: Uncertain significance (3). Last evaluated 2025-01-07.

Conditions:
Cardiovascular phenotype. Identifiers: MedGen CN230736.
Hereditary cancer-predisposing syndrome. Also called: Hereditary Cancer Syndrome; Tumor predisposition; Hereditary neoplastic syndrome; Neoplastic Syndromes, Hereditary. Identifiers: Orphanet 140162, MedGen C0027672, MeSH D009386, MONDO:0015356.
Neurofibromatosis, type 1 (NF1). Also called: Neurofibromatosis, type I; NEUROFIBROMATOSIS, TYPE I, SOMATIC; VON RECKLINGHAUSEN DISEASE; Peripheral type neurofibromatosis. Identifiers: Orphanet 636, MedGen C0027831, MONDO:0018975, OMIM 162200. Disease mechanism: loss of function.

Submissions (3):

Labcorp Genetics (formerly Invitae), Labcorp
Classification: Uncertain significance for Neurofibromatosis, type 1. Last evaluated: 2025-01-07. Review status: criteria provided, single submitter. Criteria: Invitae Variant Classification Sherloc (09022015). Collection method: clinical testing. Allele origin: germline.
Comment: This sequence change replaces glutamine, which is neutral and polar, with histidine, which is basic and polar, at codon 1499 of the NF1 protein (p.Gln1499His). This variant is not present in population databases (gnomAD no frequency). This variant has not been reported in the literature in individuals affected with NF1-related conditions. ClinVar contains an entry for this variant (Variation ID: 1055421). Invitae Evidence Modeling of protein sequence and biophysical properties (such as structural, functional, and spatial information, amino acid conservation, physicochemical variation, residue mobility, and thermodynamic stability) has been performed for this missense variant. However, the output from this modeling did not meet the statistical confidence thresholds required to predict the impact of this variant on NF1 protein function. In summary, the available evidence is currently insufficient to determine the role of this variant in disease. Therefore, it has been classified as a Variant of Uncertain Significance.

Ambry Genetics
Classification: Uncertain significance for Cardiovascular phenotype; Hereditary cancer-predisposing syndrome. Last evaluated: 2024-10-01. Review status: criteria provided, single submitter. Criteria: Ambry Variant Classification Scheme 2023. Collection method: clinical testing. Allele origin: germline.
Comment: The p.Q1499H variant (also known as c.4497G>C), located in coding exon 33 of the NF1 gene, results from a G to C substitution at nucleotide position 4497. The glutamine at codon 1499 is replaced by histidine, an amino acid with highly similar properties. This amino acid position is highly conserved in available vertebrate species. In addition, the in silico prediction for this alteration is inconclusive. Based on the available evidence, the clinical significance of this variant remains unclear.

Blueprint Genetics
Classification: Uncertain significance. Last evaluated: 2020-11-20. Review status: criteria provided, single submitter. Criteria: ACMG Guidelines, 2015. Collection method: clinical testing. Allele origin: germline.

NM_001042492.3(NF1):c.4560G>C (p.Gln1520His)

Gene: NF1 (neurofibromin 1; plus strand). Cytogenetic location: 17q11.2.
Variant type: single nucleotide variant.
Coding change: c.4560G>C on transcript NM_001042492.3 (MANE Select); coding-DNA position 4560, G replaced by C.
Protein change: p.Gln1520His; replaces glutamine 1520 with histidine.
Molecular consequence: missense variant.
Genome position (GRCh38, 1-based): chr17:31,260,498, G>C. VCF-style: chr17-31260498-G-C. GRCh37 (hg19) VCF-style: chr17-29587516-G-C.
Other names: c.4497G>C, p.Gln1499His (NM_000267.4); short protein forms Q1499H, Q1520H.
Identifiers: ClinVar variation 1055421 (VCV001055421.7), dbSNP rs1555618859, ClinGen allele CA398999882.
Genomic context (GRCh38, chr17:31,260,498, plus strand): 5'-TGACGGCAATGTGCTTGCTTTACATCGTCTACTCTGGAACAATCAGGAGAAAATTGGGCA[G>C]TATCTTTCCAGCAACAGGTAAGATTTCCCAGTCATGGGGATAGTGAACACTCTCCGTTTA-3'
Protein context (NP_001035957.1, residues 1510-1530): LLWNNQEKIG[Gln1520His]YLSSNRDHKA